The following is an entry in ClinVar:

NM_053274.3(GLMN):c.978-4T>C

Gene: GLMN (glomulin, FKBP associated protein; minus strand). Cytogenetic location: 1p22.1.
Variant type: single nucleotide variant.
Coding change: c.978-4T>C on transcript NM_053274.3 (MANE Select); 4 bases into the intron before coding-DNA position 978, T replaced by C.
Molecular consequence: intron variant.
Genome position (GRCh38, 1-based): chr1:92,268,139, A>G on the plus strand (T>C on the coding strand, the complement: GLMN is on the minus strand). VCF-style: chr1-92268139-A-G. GRCh37 (hg19) VCF-style: chr1-92733696-A-G.
Other names: c.978-4T>C (NM_001319683.2).
Identifiers: ClinVar variation 298135 (VCV000298135.6), dbSNP rs750401776, ClinGen allele CA950421.
Genomic context (GRCh38, chr1:92,268,139, plus strand): 5'-AGTTATAATGGGAACAAACATCTTACCAATCCTTTGGAGATAACAGACTCTTCTGTTCTG[A>G]AAAATAATATTAAAATTTATCATGAATTTGTAAACTATTTTAGAATGATACTTCATCTTA-3'

ClinVar aggregate classification (germline): Likely benign (1 of 4 stars; one submission).

Conditions:
Glomuvenous malformation. Also called: GLOMANGIOMAS, MULTIPLE; GLOMUS TUMORS, MULTIPLE; VENOUS MALFORMATIONS WITH GLOMUS CELLS; Familial glomangioma. Identifiers: Orphanet 83454, MedGen C1841984, MONDO:0007672, OMIM 138000.

Allele frequency attached by ClinVar (database versions not stated): ExAC 0.00003; gnomAD exomes 0.00003 and 0.00005; gnomAD 0.00004; TOPMed 0.00008.
gnomAD v4.1: 46 of 1,361,558 alleles (0.0034%); highest among the groups gnomAD compares: Non-Finnish European, 0.0001%; no homozygotes.

Submission:

Illumina Laboratory Services, Illumina
Classification: Likely benign for Glomuvenous malformation. Last evaluated: 2018-01-13. Review status: criteria provided, single submitter. Criteria: ICSL Variant Classification Criteria 13 December 2019. Collection method: clinical testing. Allele origin: germline.
Comment: This variant was observed in the ICSL laboratory as part of a predisposition screen in an ostensibly healthy population. It had not been previously curated by ICSL or reported in the Human Gene Mutation Database (HGMD: prior to June 1st, 2018), and was therefore a candidate for classification through an automated scoring system. Utilizing variant allele frequency, disease prevalence and penetrance estimates, and inheritance mode, an automated score was calculated to assess if this variant is too frequent to cause the disease. Based on the score and internal cut-off values, a variant classified as likely benign is not then subjected to further curation. The score for this variant resulted in a classification of likely benign for this disease.